The following continues an entry in ClinVar:

NM_172107.4(KCNQ2):c.917C>T (p.Ala306Val)

Gene: KCNQ2. ClinVar aggregate classification (germline): Pathogenic. Pathogenic (8).

Submissions 10 to 18 of 18:

Channelopathy-Associated Epilepsy Research Center
No classification provided (evidence only). Review status: no classification provided. Collection method: in vitro. Allele origin: not applicable. Functional consequence: Decrease in peak current. Not counted in ClinVar's aggregate classification.

Channelopathy-Associated Epilepsy Research Center
No classification provided (evidence only). Review status: no classification provided. Collection method: in vitro. Allele origin: not applicable. Functional consequence: Decrease in peak current. Not counted in ClinVar's aggregate classification.

Channelopathy-Associated Epilepsy Research Center
No classification provided (evidence only). Review status: no classification provided. Collection method: in vitro. Allele origin: not applicable. Functional consequence: Normal voltage dependence of activation. Not counted in ClinVar's aggregate classification.

Channelopathy-Associated Epilepsy Research Center
No classification provided (evidence only). Review status: no classification provided. Collection method: in vitro. Allele origin: not applicable. Functional consequence: Normal slope of activation. Not counted in ClinVar's aggregate classification.

Channelopathy-Associated Epilepsy Research Center
No classification provided (evidence only). Review status: no classification provided. Collection method: in vitro. Allele origin: not applicable. Functional consequence: Normal rate of activation. Not counted in ClinVar's aggregate classification.

Diagnostic Laboratory, Department of Genetics, University Medical Center Groningen
Classification: Pathogenic. Review status: no assertion criteria provided. Collection method: clinical testing. Allele origin: germline. Affected: yes. Study: VKGL Data-share Consensus. Not counted in ClinVar's aggregate classification.

GeneReviews
No classification provided. Condition: Developmental and epileptic encephalopathy, 7. Review status: no classification provided. Collection method: literature only. Allele origin: germline. Affected: yes. Not counted in ClinVar's aggregate classification.
Comment: EE (epileptic encephalopathy)

Genome Diagnostics Laboratory, University Medical Center Utrecht
Classification: Pathogenic. Review status: no assertion criteria provided. Collection method: clinical testing. Allele origin: germline. Affected: yes. Study: VKGL Data-share Consensus. Not counted in ClinVar's aggregate classification.

NeuroMeGen, Hospital Clinico Santiago de Compostela
Classification: Pathogenic for Developmental and epileptic encephalopathy, 7. Review status: no assertion criteria provided. Criteria: ACMG Guidelines, 2015. Collection method: clinical testing. Allele origin: de novo. Affected: yes. Not counted in ClinVar's aggregate classification.

Literature cited by the submitters: PubMed 25959266 (cited by 3 submitters); PubMed 26704558 (cited by 3 submitters); PubMed 27535030 (cited by Labcorp Genetics (formerly Invitae), Labcorp and Illumina Laboratory Services, Illumina); PubMed 29390993 (cited by Labcorp Genetics (formerly Invitae), Labcorp and Illumina Laboratory Services, Illumina); PubMed 9425895 (cited by Labcorp Genetics (formerly Invitae), Labcorp and Illumina Laboratory Services, Illumina); PubMed 19453707 (cited by Labcorp Genetics (formerly Invitae), Labcorp); PubMed 26138355 (cited by Labcorp Genetics (formerly Invitae), Labcorp and Illumina Laboratory Services, Illumina); PubMed 34055682 (cited by Women's Health and Genetics/Laboratory Corporation of America, LabCorp and Illumina Laboratory Services, Illumina); PubMed 31780880 (cited by Women's Health and Genetics/Laboratory Corporation of America, LabCorp and Illumina Laboratory Services, Illumina); PubMed 29455050 (cited by Women's Health and Genetics/Laboratory Corporation of America, LabCorp and Illumina Laboratory Services, Illumina); PubMed 29852413 (cited by Women's Health and Genetics/Laboratory Corporation of America, LabCorp and Illumina Laboratory Services, Illumina); PubMed 28733343 (cited by Women's Health and Genetics/Laboratory Corporation of America, LabCorp); PubMed 34120799 (cited by Illumina Laboratory Services, Illumina); PubMed 32139178 (cited by Illumina Laboratory Services, Illumina); PubMed 32917465 (cited by Illumina Laboratory Services, Illumina); PubMed 24375629 (cited by Illumina Laboratory Services, Illumina); PubMed 35104249 (cited by Channelopathy-Associated Epilepsy Research Center); PubMed 23708187 (cited by GeneReviews); NCBI Bookshelf NBK32534 (cited by GeneReviews).